The following is an entry in ClinVar:

NM_001369369.1(FOXN1):c.91C>T (p.Pro31Ser)

Gene: FOXN1 (forkhead box N1; plus strand). Cytogenetic location: 17q11.2.
Variant type: single nucleotide variant.
Coding change: c.91C>T on transcript NM_001369369.1 (MANE Select); coding-DNA position 91, C replaced by T.
Protein change: p.Pro31Ser; replaces proline 31 with serine.
Molecular consequence: missense variant.
Genome position (GRCh38, 1-based): chr17:28,524,060, C>T. VCF-style: chr17-28524060-C-T. GRCh37 (hg19) VCF-style: chr17-26851078-C-T.
Other names: c.91C>T, p.Pro31Ser (NM_003593.3); short protein forms P31S.
Identifiers: ClinVar variation 2194204 (VCV002194204.2), dbSNP rs761614863, ClinGen allele CA8459136.
Genomic context (GRCh38, chr17:28,524,060, plus strand): 5'-GTCACGCTGCCGGGCCCCACCAGACTGGAGGGCGAGCGCCAAGGGGACCTCATGCAGGCA[C>T]CGGGCCTCCCAGGCTCCCCTGCCCCACAGAGTGTAAGTACCCGGCATCTGGGCCTGGGTT-3'
Protein context (NP_001356298.1, residues 21-41): GERQGDLMQA[Pro31Ser]GLPGSPAPQS

ClinVar aggregate classification (germline): Uncertain significance (1 of 4 stars; one submission).

Conditions:
T-cell immunodeficiency, congenital alopecia, and nail dystrophy. Also called: Congenital alopecia and nail dystrophy associated with severe functional T-cell immunodeficiency; Pignata Guarino syndrome. Identifiers: Orphanet 169095, MedGen C1866426, MONDO:0011132, OMIM 601705.

Allele frequency attached by ClinVar (database versions not stated): ExAC 0.00001; gnomAD 0.00002; TOPMed 0.00002.
gnomAD v4.1: 11 of 1,609,528 alleles (0.00068%); highest among the groups gnomAD compares: Non-Finnish European, 0.00085%; no homozygotes.

Submission:

Labcorp Genetics (formerly Invitae), Labcorp
Classification: Uncertain significance for T-cell immunodeficiency, congenital alopecia, and nail dystrophy. Last evaluated: 2024-07-29. Review status: criteria provided, single submitter. Criteria: Invitae Variant Classification Sherloc (09022015). Collection method: clinical testing. Allele origin: germline.
Comment: This sequence change replaces proline, which is neutral and non-polar, with serine, which is neutral and polar, at codon 31 of the FOXN1 protein (p.Pro31Ser). This variant is present in population databases (rs761614863, gnomAD 0.003%). This variant has not been reported in the literature in individuals affected with FOXN1-related conditions. ClinVar contains an entry for this variant (Variation ID: 2194204). An algorithm developed to predict the effect of missense changes on protein structure and function (PolyPhen-2) suggests that this variant¬†is likely to be tolerated. In summary, the available evidence is currently insufficient to determine the role of this variant in disease. Therefore, it has been classified as a Variant of Uncertain Significance.